The following is an entry in ClinVar:

NM_003611.3(OFD1):c.2505A>G (p.Pro835=)

Gene: OFD1 (OFD1 centriole and centriolar satellite protein; plus strand). Cytogenetic location: Xp22.2.
Variant type: single nucleotide variant.
Coding change: c.2505A>G on transcript NM_003611.3 (MANE Select); coding-DNA position 2505, A replaced by G.
Protein change: p.Pro835=; no amino-acid change (proline 835 retained).
Molecular consequence: synonymous variant.
Genome position (GRCh38, 1-based): chrX:13,763,761, A>G. VCF-style: chrX-13763761-A-G. GRCh37 (hg19) VCF-style: chrX-13781880-A-G.
Other names: c.2385A>G, p.Pro795= (NM_001330209.2); c.2085A>G, p.Pro695= (NM_001330210.2).
Identifiers: ClinVar variation 1337558 (VCV001337558.10), dbSNP rs759468353, ClinGen allele CA10352028.

ClinVar aggregate classification (germline): Conflicting classifications of pathogenicity. Review status: criteria provided, conflicting classifications (1 of 4 stars). 3 submissions from 3 submitters: Uncertain significance (1); Likely benign (2). Last evaluated 2022-10-26.

Conditions:
Joubert syndrome. Also called: Familial aplasia of the vermis; JOUBERT-BOLTSHAUSER SYNDROME. Identifiers: Orphanet 475, MedGen C5979921, MONDO:0018772.
Orofaciodigital syndrome I (OFD1). Also called: OFDS I; Oral-Facial-Digital Syndrome Type I; Papillon-Leage and Psaume Syndrome. Identifiers: Orphanet 2750, MedGen C1510460, MONDO:0010702, OMIM 311200.

Allele frequency attached by ClinVar (database versions not stated): gnomAD exomes below 0.00001 and 0.00001; ExAC 0.00001; gnomAD 0.00001.

Submissions (3):

Blueprint Genetics
Classification: Likely benign. Last evaluated: 2022-10-26. Review status: criteria provided, single submitter. Criteria: ACMG Guidelines, 2015. Collection method: clinical testing. Allele origin: germline.

Labcorp Genetics (formerly Invitae), Labcorp
Classification: Likely benign for Orofaciodigital syndrome I; Joubert syndrome. Last evaluated: 2022-08-19. Review status: criteria provided, single submitter. Criteria: Invitae Variant Classification Sherloc (09022015). Collection method: clinical testing. Allele origin: germline.

Genetic Services Laboratory, University of Chicago
Classification: Uncertain significance. Last evaluated: 2020-02-27. Review status: criteria provided, single submitter. Criteria: ACMG Guidelines, 2015. Collection method: clinical testing. Allele origin: germline. Affected: no.
Comment: DNA sequence analysis of the OFD1 gene demonstrated a sequence change, c.2505A>G, in exon 19 which does not result in an amino acid change. This sequence change has been described in the gnomAD database in one individual which corresponds to an overall low population frequency of 0.00055% (dbSNP rs759468353). This sequence change is not predicted to have a deleterious effect on splicing based on in silico splice prediction programs. This sequence change is not clearly predicted to have a deleterious effect on splicing based on in silico splice prediction programs. As the c.2505A>G sequence change does not result in a change in the OFD1 amino acid sequence, it is possible that this change is non-pathogenic and represents a benign sequence variant of the OFD1 gene, however functional studies have not been performed to prove this conclusively.